The following is an entry in ClinVar:

ClinVar aggregate classification (germline): Uncertain significance (1 of 4 stars; one submission).

Allele frequency attached by ClinVar (database versions not stated): gnomAD exomes below 0.00001 and 0.00001.
gnomAD v4.1: 13 of 1,613,968 alleles (0.00081%); highest among the groups gnomAD compares: Non-Finnish European, 0.00093%; no homozygotes.

Submission:

Labcorp Genetics (formerly Invitae), Labcorp
Classification: Uncertain significance. Last evaluated: 2021-05-03. Review status: criteria provided, single submitter. Criteria: Invitae Variant Classification Sherloc (09022015). Collection method: clinical testing. Allele origin: germline.
Comment: This sequence change replaces asparagine with serine at codon 1062 of the AP3B2 protein (p.Asn1062Ser). The asparagine residue is moderately conserved and there is a small physicochemical difference between asparagine and serine. This variant is not present in population databases (ExAC no frequency). This variant has not been reported in the literature in individuals with AP3B2-related conditions. Algorithms developed to predict the effect of missense changes on protein structure and function (SIFT, PolyPhen-2, Align-GVGD) all suggest that this variant is likely to be tolerated, but these predictions have not been confirmed by published functional studies and their clinical significance is uncertain. In summary, the available evidence is currently insufficient to determine the role of this variant in disease. Therefore, it has been classified as a Variant of Uncertain Significance.

NM_001278512.2(AP3B2):c.3242A>G (p.Asn1081Ser)

Genes: AP3B2 (adaptor related protein complex 3 subunit beta 2; minus strand), CPEB1-AS1 (CPEB1 antisense RNA 1; plus strand). Cytogenetic location: 15q25.2.
Variant type: single nucleotide variant.
Coding change: c.3242A>G on transcript NM_001278512.2 (MANE Select); coding-DNA position 3242, A replaced by G.
Protein change: p.Asn1081Ser; replaces asparagine 1081 with serine.
Molecular consequence: missense variant.
Genome position (GRCh38, 1-based): chr15:82,659,624, T>C on the plus strand (A>G on the coding strand, the complement: AP3B2 is on the minus strand). VCF-style: chr15-82659624-T-C. GRCh37 (hg19) VCF-style: chr15-83328376-T-C.
Other names: c.3089A>G, p.Asn1030Ser (NM_001278511.2); c.374A>G, p.Asn125Ser (NM_001348441.2); c.3185A>G, p.Asn1062Ser (NM_004644.5); short protein forms N1030S, N125S, N1062S, N1081S.
Identifiers: ClinVar variation 1475243 (VCV001475243.8), dbSNP rs1286118137, ClinGen allele CA393305280.
Genomic context (GRCh38, chr15:82,659,624, plus strand): 5'-TGGGTCAGAGCCTGTATCACATCCTTTACCAGCATGGTGCCAATCACCATTTTCTCGCTG[T>C]TGACAGTCAGCTGGGCAGCTCCAGCTGGCCGGGCATCCAGGGTCAGCAGAACGAGGCTTC-3'
Protein context (NP_001265441.1, residues 1071-1091): RPAGAAQLTV[Asn1081Ser]SEKMVIGTML